The following is an entry in ClinVar:

NM_005559.4(LAMA1):c.206G>A (p.Cys69Tyr)

Gene: LAMA1 (laminin subunit alpha 1; minus strand). Cytogenetic location: 18p11.31.
Variant type: single nucleotide variant.
Coding change: c.206G>A on transcript NM_005559.4 (MANE Select); coding-DNA position 206, G replaced by A.
Protein change: p.Cys69Tyr; replaces cysteine 69 with tyrosine.
Molecular consequence: missense variant.
Genome position (GRCh38, 1-based): chr18:7,080,313, C>T on the plus strand (G>A on the coding strand, the complement: LAMA1 is on the minus strand). VCF-style: chr18-7080313-C-T. GRCh37 (hg19) VCF-style: chr18-7080312-C-T.
Other names: short protein forms C69Y.
Identifiers: ClinVar variation 521309 (VCV000521309.6), dbSNP rs1555664690, ClinGen allele CA401848861.

ClinVar aggregate classification (germline): Uncertain significance. Review status: criteria provided, multiple submitters, no conflicts (2 of 4 stars). 2 submissions from 2 submitters: Uncertain significance (2). Last evaluated 2022-07-14.

Conditions:
Inborn genetic diseases. Identifiers: MedGen C0950123, MeSH D030342.

Allele frequency attached by ClinVar (database versions not stated): gnomAD exomes below 0.00001; TOPMed below 0.00001.
gnomAD v4.1: 1 of 1,614,246 alleles (0.000062%); highest among the groups gnomAD compares: Admixed American, 0.0017%; no homozygotes.

Submissions (2):

Labcorp Genetics (formerly Invitae), Labcorp
Classification: Uncertain significance. Last evaluated: 2022-07-14. Review status: criteria provided, single submitter. Criteria: Invitae Variant Classification Sherloc (09022015). Collection method: clinical testing. Allele origin: germline.
Comment: This sequence change replaces cysteine, which is neutral and slightly polar, with tyrosine, which is neutral and polar, at codon 69 of the LAMA1 protein (p.Cys69Tyr). This variant is not present in population databases (gnomAD no frequency). This variant has not been reported in the literature in individuals affected with LAMA1-related conditions. ClinVar contains an entry for this variant (Variation ID: 521309). Algorithms developed to predict the effect of missense changes on protein structure and function (SIFT, PolyPhen-2, Align-GVGD) all suggest that this variant is likely to be disruptive. In summary, the available evidence is currently insufficient to determine the role of this variant in disease. Therefore, it has been classified as a Variant of Uncertain Significance.

Ambry Genetics
Classification: Uncertain significance for Inborn genetic diseases. Last evaluated: 2016-09-21. Review status: criteria provided, single submitter. Criteria: Ambry exome assertion method (8-5-2015). Collection method: clinical testing. Allele origin: germline. Affected: yes. Observed: 1 variant allele.